The following is an entry in ClinVar:

ClinVar aggregate classification (germline): Uncertain significance (1 of 4 stars; one submission).

gnomAD v4.1: 1 of 1,232,048 alleles (0.000081%); no homozygotes.

Submission:

Labcorp Genetics (formerly Invitae), Labcorp
Classification: Uncertain significance. Last evaluated: 2024-06-20. Review status: criteria provided, single submitter. Criteria: Invitae Variant Classification Sherloc (09022015). Collection method: clinical testing. Allele origin: germline.
Comment: This sequence change replaces valine, which is neutral and non-polar, with leucine, which is neutral and non-polar, at codon 27 of the TET3 protein (p.Val27Leu). This variant is present in population databases (no rsID available, gnomAD no frequency). This variant has not been reported in the literature in individuals affected with TET3-related conditions. Experimental studies and prediction algorithms are not available or were not evaluated, and the functional significance of this variant is currently unknown. In summary, the available evidence is currently insufficient to determine the role of this variant in disease. Therefore, it has been classified as a Variant of Uncertain Significance.

NM_001287491.2(TET3):c.79G>C (p.Val27Leu)

Gene: TET3 (tet methylcytosine dioxygenase 3; plus strand). Cytogenetic location: 2p13.1.
Variant type: single nucleotide variant.
Coding change: c.79G>C on transcript NM_001287491.2 (MANE Select); coding-DNA position 79, G replaced by C.
Protein change: p.Val27Leu; replaces valine 27 with leucine.
Molecular consequence: missense variant.
Genome position (GRCh38, 1-based): chr2:73,986,482, G>C. VCF-style: chr2-73986482-G-C. GRCh37 (hg19) VCF-style: chr2-74213609-G-C.
Other names: short protein forms V27L.
Identifiers: ClinVar variation 3701760 (VCV003701760.2).